The following is an entry in ClinVar:

ClinVar aggregate classification (germline): Uncertain significance (1 of 4 stars; one submission).

Conditions:
TRRAP-related disorder. Also called: TRRAP-related condition.

gnomAD v4.1: 25 of 1,613,916 alleles (0.0015%); highest among the groups gnomAD compares: East Asian, 0.0045%; no homozygotes.

Submission:

PreventionGenetics, part of Exact Sciences
Classification: Uncertain significance for TRRAP-related condition. Last evaluated: 2026-09-18. Review status: criteria provided, single submitter. Criteria: ACMG Guidelines, 2015. Collection method: clinical testing. Allele origin: germline.
Comment: The TRRAP c.6350G>A variant is predicted to result in the amino acid substitution p.Arg2117Gln. To our knowledge, this variant has not been reported in the literature. This variant is reported in 0.0039% of alleles in individuals of European (Non-Finnish) descent in gnomAD. At this time, the clinical significance of this variant is uncertain due to the absence of conclusive functional and genetic evidence.

NM_001375524.1(TRRAP):c.6425G>A (p.Arg2142Gln)

Gene: TRRAP (transformation/transcription domain associated protein; plus strand). Cytogenetic location: 7q22.1.
Variant type: single nucleotide variant.
Coding change: c.6425G>A on transcript NM_001375524.1 (MANE Select); coding-DNA position 6425, G replaced by A.
Protein change: p.Arg2142Gln; replaces arginine 2142 with glutamine.
Molecular consequence: missense variant.
Genome position (GRCh38, 1-based): chr7:98,959,426, G>A. VCF-style: chr7-98959426-G-A. GRCh37 (hg19) VCF-style: chr7-98557049-G-A.
Other names: c.6404G>A, p.Arg2135Gln (NM_001244580.2); c.6350G>A, p.Arg2117Gln (NM_003496.4); short protein forms R2117Q, R2142Q, R2135Q.
Identifiers: ClinVar variation 4980175 (VCV004980175.1).